The following is an entry in ClinVar:

NM_182914.3(SYNE2):c.16642A>G (p.Ile5548Val)

Gene: SYNE2 (spectrin repeat containing nuclear envelope protein 2; plus strand). Cytogenetic location: 14q23.2.
Variant type: single nucleotide variant.
Coding change: c.16642A>G on transcript NM_182914.3 (MANE Select); coding-DNA position 16642, A replaced by G.
Protein change: p.Ile5548Val; replaces isoleucine 5548 with valine.
Molecular consequence: missense variant.
Genome position (GRCh38, 1-based): chr14:64,167,269, A>G. VCF-style: chr14-64167269-A-G. GRCh37 (hg19) VCF-style: chr14-64633987-A-G.
Other names: c.16642A>G, p.Ile5548Val (NM_015180.6); short protein forms I5548V.
Identifiers: ClinVar variation 2851834 (VCV002851834.3), dbSNP rs2549589409, ClinGen allele CA389965197.

ClinVar aggregate classification (germline): Uncertain significance (1 of 4 stars; one submission).

Conditions:
Emery-Dreifuss muscular dystrophy 5, autosomal dominant (EDMD5). Also called: EMERY-DREIFUSS MUSCULAR DYSTROPHY 5. Identifiers: Orphanet 261, MedGen C2751805, MONDO:0013072, OMIM 612999.

Submission:

Labcorp Genetics (formerly Invitae), Labcorp
Classification: Uncertain significance for Emery-Dreifuss muscular dystrophy 5, autosomal dominant. Last evaluated: 2023-04-03. Review status: criteria provided, single submitter. Criteria: Invitae Variant Classification Sherloc (09022015). Collection method: clinical testing. Allele origin: germline.
Comment: This variant is not present in population databases (gnomAD no frequency). This sequence change replaces isoleucine, which is neutral and non-polar, with valine, which is neutral and non-polar, at codon 5548 of the SYNE2 protein (p.Ile5548Val). This variant has not been reported in the literature in individuals affected with SYNE2-related conditions. In summary, the available evidence is currently insufficient to determine the role of this variant in disease. Therefore, it has been classified as a Variant of Uncertain Significance. Algorithms developed to predict the effect of missense changes on protein structure and function output the following: SIFT: "Not Available"; PolyPhen-2: "Benign"; Align-GVGD: "Not Available". The valine amino acid residue is found in multiple mammalian species, which suggests that this missense change does not adversely affect protein function.